The following is an entry in ClinVar:

NM_007194.4(CHEK2):c.1348G>C (p.Glu450Gln)

Gene: CHEK2 (checkpoint kinase 2; minus strand). Cytogenetic location: 22q12.1.
Variant type: single nucleotide variant.
Coding change: c.1348G>C on transcript NM_007194.4 (MANE Select); coding-DNA position 1348, G replaced by C.
Protein change: p.Glu450Gln; replaces glutamic acid 450 with glutamine.
Molecular consequence: missense variant.
Genome position (GRCh38, 1-based): chr22:28,695,154, C>G on the plus strand (G>C on the coding strand, the complement: CHEK2 is on the minus strand). VCF-style: chr22-28695154-C-G. GRCh37 (hg19) VCF-style: chr22-29091142-C-G.
Other names: c.685G>C, p.Glu229Gln (NM_001257387.3); c.1147G>C, p.Glu383Gln (NM_001349956.3); c.1261G>C, p.Glu421Gln (NM_145862.3); c.1477G>C, p.Glu493Gln (NM_001005735.3); short protein forms E229Q, E383Q, E450Q, E493Q, E421Q.
Identifiers: ClinVar variation 2035690 (VCV002035690.4), dbSNP rs1555913429, ClinGen allele CA411095605.

ClinVar aggregate classification (germline): Uncertain significance (1 of 4 stars; one submission).

Conditions:
Familial cancer of breast. Also called: BREAST CANCER, FAMILIAL; Hereditary breast cancer; hereditary breast carcinoma. Identifiers: Orphanet 227535, MedGen C0346153, MONDO:0016419, OMIM 114480. Disease mechanism: loss of function.

Submission:

Labcorp Genetics (formerly Invitae), Labcorp
Classification: Uncertain significance for Familial cancer of breast. Last evaluated: 2022-10-17. Review status: criteria provided, single submitter. Criteria: Invitae Variant Classification Sherloc (09022015). Collection method: clinical testing. Allele origin: germline.
Comment: This sequence change replaces glutamic acid, which is acidic and polar, with glutamine, which is neutral and polar, at codon 450 of the CHEK2 protein (p.Glu450Gln). This variant is not present in population databases (gnomAD no frequency). This variant has not been reported in the literature in individuals affected with CHEK2-related conditions. Algorithms developed to predict the effect of missense changes on protein structure and function (SIFT, PolyPhen-2, Align-GVGD) all suggest that this variant is likely to be tolerated. In summary, the available evidence is currently insufficient to determine the role of this variant in disease. Therefore, it has been classified as a Variant of Uncertain Significance.